The following is an entry in ClinVar:

ClinVar aggregate classification (germline): Pathogenic (1 of 4 stars; one submission).

Submissions (2):

Labcorp Genetics (formerly Invitae), Labcorp
Classification: Pathogenic. Last evaluated: 2025-06-15. Review status: criteria provided, single submitter. Criteria: Invitae Variant Classification Sherloc (09022015). Collection method: clinical testing. Allele origin: germline.
Comment: This sequence change affects a donor splice site in intron 21 of the PHEX gene. While this variant is not anticipated to result in nonsense mediated decay, it likely alters RNA splicing and results in a disrupted protein product. This variant is not present in population databases (gnomAD no frequency). Disruption of this splice site has been observed in individuals with hypophosphatemic rickets (PMID: 26051471, 28397222; internal data). Variants that disrupt the consensus splice site are a relatively common cause of aberrant splicing (PMID: 17576681, 9536098). Algorithms developed to predict the effect of sequence changes on RNA splicing suggest that this variant may disrupt the consensus splice site. This variant disrupts a region of the PHEX protein in which other variant(s) (p.Arg747*) have been determined to be pathogenic (PMID: 9199930, 9768674). This suggests that this is a clinically significant region of the protein, and that variants that disrupt it are likely to be disease-causing. For these reasons, this variant has been classified as Pathogenic.

Dr. Peter K. Rogan Lab, Western University
No classification provided (evidence only). Condition: Thyroid cancer, nonmedullary, 1. Review status: no classification provided. Collection method: in vitro. Allele origin: not applicable. Functional consequence: retained intron. Not counted in ClinVar's aggregate classification.

Literature cited by the submitters: PubMed 26051471 (cited by Labcorp Genetics (formerly Invitae), Labcorp); PubMed 28397222 (cited by Labcorp Genetics (formerly Invitae), Labcorp); PubMed 17576681 (cited by Labcorp Genetics (formerly Invitae), Labcorp); PubMed 9536098 (cited by Labcorp Genetics (formerly Invitae), Labcorp); PubMed 9199930 (cited by Labcorp Genetics (formerly Invitae), Labcorp); PubMed 9768674 (cited by Labcorp Genetics (formerly Invitae), Labcorp).

NM_000444.6(PHEX):c.2147+2T>C

Genes: PHEX (phosphate regulating endopeptidase X-linked; plus strand), PTCHD1-AS (PTCHD1 and PHEX antisense RNA; minus strand). Cytogenetic location: Xp22.11.
Variant type: single nucleotide variant.
Coding change: c.2147+2T>C on transcript NM_000444.6 (MANE Select); the canonical splice donor site of the intron after coding-DNA position 2147, T replaced by C.
Molecular consequence: splice donor variant. On other transcripts: intron variant (1).
Genome position (GRCh38, 1-based): chrX:22,245,411, T>C. VCF-style: chrX-22245411-T-C. GRCh37 (hg19) VCF-style: chrX-22263528-T-C.
Other names: NC_000023.10:g.22263528T>C; c.2071-2440T>C (NM_001282754.2).
Identifiers: ClinVar variation 4484973 (VCV004484973.2).
Genomic context (GRCh38, chrX:22,245,411, plus strand): 5'-AGACCAGAAGCTGCCCGAGAACAAGTCCAAATTGGTGCTCACAGTCCCCCTCAGTTTAGG[T>C]AAATGGGCAAATGGGTGACGGCAGTTTTTAACTGTACATCTCCCCCCTTCCTCCCCCACC-3'